The following is an entry in ClinVar:

NM_032444.4(SLX4):c.4096C>T (p.Arg1366Cys)

Gene: SLX4 (SLX4 structure-specific endonuclease subunit; minus strand). Cytogenetic location: 16p13.3.
Variant type: single nucleotide variant.
Coding change: c.4096C>T on transcript NM_032444.4 (MANE Select); coding-DNA position 4096, C replaced by T.
Protein change: p.Arg1366Cys; replaces arginine 1366 with cysteine.
Molecular consequence: missense variant.
Genome position (GRCh38, 1-based): chr16:3,589,542, G>A on the plus strand (C>T on the coding strand, the complement: SLX4 is on the minus strand). VCF-style: chr16-3589542-G-A. GRCh37 (hg19) VCF-style: chr16-3639543-G-A.
Other names: c.4096C>T (LRG_503t1); short protein forms R1366C.
Identifiers: ClinVar variation 407901 (VCV000407901.11), dbSNP rs368434737, ClinGen allele CA7865737.

ClinVar aggregate classification (germline): Uncertain significance. Review status: criteria provided, multiple submitters, no conflicts (2 of 4 stars). 2 submissions from 2 submitters: Uncertain significance (2). Last evaluated 2023-05-26.

Conditions:
Fanconi anemia (FA). Also called: Fanconi's anemia. Identifiers: Orphanet 84, MedGen C0015625, MeSH D005199, MONDO:0019391.
Fanconi anemia complementation group P. Also called: SLX4-Related Fanconi Anemia. Identifiers: Orphanet 84, MedGen C3469542, MONDO:0013499, OMIM 613951.

Allele frequency attached by ClinVar (database versions not stated): TOPMed below 0.00001; gnomAD 0.00001; ExAC 0.00002; gnomAD exomes 0.00002; ESP Exome Variant Server 0.00008.
gnomAD v4.1: 16 of 1,610,202 alleles (0.00099%); highest among the groups gnomAD compares: South Asian, 0.0099%; no homozygotes.

Submissions (2):

Labcorp Genetics (formerly Invitae), Labcorp
Classification: Uncertain significance for Fanconi anemia. Last evaluated: 2023-05-26. Review status: criteria provided, single submitter. Criteria: Invitae Variant Classification Sherloc (09022015). Collection method: clinical testing. Allele origin: germline.
Comment: In summary, the available evidence is currently insufficient to determine the role of this variant in disease. Therefore, it has been classified as a Variant of Uncertain Significance. An algorithm developed to predict the effect of missense changes on protein structure and function (PolyPhen-2) suggests that this variant is likely to be tolerated. ClinVar contains an entry for this variant (Variation ID: 407901). This variant has not been reported in the literature in individuals affected with SLX4-related conditions. This variant is present in population databases (rs368434737, gnomAD 0.007%). This sequence change replaces arginine, which is basic and polar, with cysteine, which is neutral and slightly polar, at codon 1366 of the SLX4 protein (p.Arg1366Cys).

New York Genome Center
Classification: Uncertain significance for Fanconi anemia complementation group P. Last evaluated: 2021-10-07. Review status: criteria provided, single submitter. Criteria: NYGC Assertion Criteria 2020. Collection method: clinical testing. Allele origin: germline. Observed: 1 variant allele. Study: CSER-NYCKidSeq.